The following is an entry in ClinVar:

ClinVar aggregate classification (germline): Likely pathogenic (1 of 4 stars; one submission).

Conditions:
Familial thoracic aortic aneurysm and aortic dissection (TAAD). Also called: Thoracic aortic aneurysms and dissections. Identifiers: Orphanet 91387, MedGen C4707243, MONDO:0019625.

Submission:

Ambry Genetics
Classification: Likely pathogenic for Familial thoracic aortic aneurysm and aortic dissection. Last evaluated: 2024-02-15. Review status: criteria provided, single submitter. Criteria: Ambry Variant Classification Scheme 2023. Collection method: clinical testing. Allele origin: germline.
Comment: The c.3542A>G (p.K1181R) alteration is located in exon 25 (coding exon 25) of the MED12 gene. This alteration results from a A to G substitution at nucleotide position 3542, causing the lysine (K) at amino acid position 1181 to be replaced by an arginine (R). This variant was not reported in population-based cohorts in the Genome Aggregation Database (gnomAD). This nucleotide position is highly conserved in available vertebrate species. In silico splice site analysis predicts that this alteration will result in the creation or strengthening of a novel splice acceptor site. Based on the available evidence, this alteration is classified as likely pathogenic.

NM_005120.3(MED12):c.3542A>G (p.Lys1181Arg)

Gene: MED12 (mediator complex subunit 12; plus strand). Cytogenetic location: Xq13.1.
Variant type: single nucleotide variant.
Coding change: c.3542A>G on transcript NM_005120.3 (MANE Select); coding-DNA position 3542, A replaced by G.
Protein change: p.Lys1181Arg; replaces lysine 1181 with arginine.
Molecular consequence: missense variant.
Genome position (GRCh38, 1-based): chrX:71,129,180, A>G. VCF-style: chrX-71129180-A-G. GRCh37 (hg19) VCF-style: chrX-70349030-A-G.
Other names: short protein forms K1181R.
Identifiers: ClinVar variation 3124869 (VCV003124869.1), dbSNP rs2519691466, ClinGen allele CA413519837.